The following is an entry in ClinVar:

NM_000302.4(PLOD1):c.1984T>C (p.Phe662Leu)

Gene: PLOD1 (procollagen-lysine,2-oxoglutarate 5-dioxygenase 1; plus strand). Cytogenetic location: 1p36.22.
Variant type: single nucleotide variant.
Coding change: c.1984T>C on transcript NM_000302.4 (MANE Select); coding-DNA position 1984, T replaced by C.
Protein change: p.Phe662Leu; replaces phenylalanine 662 with leucine.
Molecular consequence: missense variant.
Genome position (GRCh38, 1-based): chr1:11,972,953, T>C. VCF-style: chr1-11972953-T-C. GRCh37 (hg19) VCF-style: chr1-12033010-T-C.
Other names: c.2125T>C, p.Phe709Leu (NM_001316320.2); short protein forms F662L, F709L.
Identifiers: ClinVar variation 5026853 (VCV005026853.1).
Genomic context (GRCh38, chr1:11,972,953, plus strand): 5'-GTCGTCCGCTACAAGCCTGATGAGCAGCCCTCACTGATGCCACACCATGATGCCTCCACC[T>C]TCACCATCAACATCGCCCTGAACCGAGTCGGGGTGGATTACGAGGTGAGCAGGAGCCAGC-3'
Protein context (NP_000293.2, residues 652-672): SLMPHHDAST[Phe662Leu]TINIALNRVG

ClinVar aggregate classification (germline): Uncertain significance (1 of 4 stars; one submission).

Conditions:
Familial thoracic aortic aneurysm and aortic dissection (TAAD). Also called: Thoracic aortic aneurysms and dissections. Identifiers: Orphanet 91387, MedGen C4707243, MONDO:0019625.

Submission:

Ambry Genetics
Classification: Uncertain significance for Familial thoracic aortic aneurysm and aortic dissection. Last evaluated: 2026-08-22. Review status: criteria provided, single submitter. Criteria: Ambry Variant Classification Scheme 2023. Collection method: clinical testing. Allele origin: germline.
Comment: The p.F662L variant (also known as c.1984T>C), located in coding exon 18 of the PLOD1 gene, results from a T to C substitution at nucleotide position 1984. The phenylalanine at codon 662 is replaced by leucine, an amino acid with highly similar properties. This amino acid position is conserved. In addition, this alteration is predicted to be deleterious by in silico analysis. Based on the available evidence, the clinical significance of this variant remains unclear.